The following is an entry in ClinVar:

ClinVar aggregate classification (germline): Likely pathogenic (1 of 4 stars; one submission).

Conditions:
Polyglandular autoimmune syndrome, type 1 (APS1). Also called: PGA I; Autoimmune polyendocrine syndrome type 1; AUTOIMMUNE POLYENDOCRINE SYNDROME, TYPE I, WITH OR WITHOUT REVERSIBLE METAPHYSEAL DYSPLASIA; APS I; Autoimmune polyendocrinopathy syndrome, type I; HYPOADRENOCORTICISM WITH HYPOPARATHYROIDISM AND SUPERFICIAL MONILIASIS. Identifiers: Orphanet 3453, MedGen C0085859, MONDO:0009411, OMIM 240300.

Submission:

Myriad Genetics, Inc.
Classification: Likely pathogenic for Polyglandular autoimmune syndrome, type 1. Last evaluated: 2021-12-17. Review status: criteria provided, single submitter. Criteria: Myriad Women's Health Autosomal Recessive and X-Linked Classification Criteria (2021). Collection method: clinical testing. Allele origin: unknown.
Comment: NM_000383.3(AIRE):c.1121delG(G374Efs*4) is expected to be pathogenic in the context of autoimmune polyglandular syndrome type 1. This variant is predicted to lead to an abnormal or absent protein product due to the creation of a premature termination codon in AIRE, a gene where loss-of-function variants are known to be pathogenic. Please note: this variant was assessed in the context of healthy population screening.

NM_000383.4(AIRE):c.1121del (p.Gly374fs)

Gene: AIRE (autoimmune regulator; plus strand). Cytogenetic location: 21q22.3.
Variant type: Deletion.
Coding change: c.1121del on transcript NM_000383.4 (MANE Select); coding-DNA position 1121, one base deleted (G; older notation c.1121delG).
Protein change: p.Gly374fs; shifts the reading frame from glycine 374.
Molecular consequence: frameshift variant.
Genome position (GRCh38, 1-based): chr21:44,293,018, G deleted; the last of 3 consecutive G bases (chr21:44,293,016-44,293,018); deleting any one gives the same sequence. VCF-style (leftmost placement, unchanged base first): chr21-44293015-CG-C. GRCh37 (hg19) VCF-style: chr21-45712898-CG-C.
Other names: short protein forms G374fs.
Identifiers: ClinVar variation 1726472 (VCV001726472.2), dbSNP rs2517884532, ClinGen allele CA2580098821.